The following is an entry in ClinVar:

NM_001042492.3(NF1):c.3037dup (p.Thr1013fs)

Gene: NF1 (neurofibromin 1; plus strand). Cytogenetic location: 17q11.2.
Variant type: Duplication.
Coding change: c.3037dup on transcript NM_001042492.3 (MANE Select); coding-DNA position 3037, one base duplicated (A; older notation c.3037dupA).
Protein change: p.Thr1013fs; shifts the reading frame from threonine 1013.
Molecular consequence: frameshift variant.
Genome position (GRCh38, 1-based): chr17:31,230,306, A duplicated; the last of 5 consecutive A bases (chr17:31,230,302-31,230,306); duplicating any one gives the same sequence. VCF-style (leftmost placement, unchanged base first): chr17-31230301-T-TA. GRCh37 (hg19) VCF-style: chr17-29557319-T-TA.
Other names: c.3037dup, p.Thr1013fs (NM_000267.4); short protein forms T1013fs.
Identifiers: ClinVar variation 4850833 (VCV004850833.1).

ClinVar aggregate classification (germline): Likely pathogenic (1 of 4 stars; one submission).

Conditions:
Neurofibromatosis, type 1 (NF1). Also called: Peripheral type neurofibromatosis; VON RECKLINGHAUSEN DISEASE; NEUROFIBROMATOSIS, TYPE I, SOMATIC; Neurofibromatosis, type I. Identifiers: Orphanet 636, MedGen C0027831, MONDO:0018975, OMIM 162200. Disease mechanism: loss of function.

Submission:

Greenwood Genetic Center Diagnostic Laboratories, Greenwood Genetic Center
Classification: Likely pathogenic for Neurofibromatosis, type 1. Last evaluated: 2025-03-24. Review status: criteria provided, single submitter. Criteria: ACMG Guidelines, 2015. Collection method: clinical testing. Allele origin: germline. Affected: yes.
Comment: PVS1, PM2